The following is an entry in ClinVar:

NM_152594.3(SPRED1):c.429T>G (p.Asn143Lys)

Gene: SPRED1 (sprouty related EVH1 domain containing 1; plus strand). Cytogenetic location: 15q14.
Variant type: single nucleotide variant.
Coding change: c.429T>G on transcript NM_152594.3 (MANE Select); coding-DNA position 429, T replaced by G.
Protein change: p.Asn143Lys; replaces asparagine 143 with lysine.
Molecular consequence: missense variant.
Genome position (GRCh38, 1-based): chr15:38,339,742, T>G. VCF-style: chr15-38339742-T-G. GRCh37 (hg19) VCF-style: chr15-38631943-T-G.
Other names: short protein forms N143K.
Identifiers: ClinVar variation 4174035 (VCV004174035.1).

ClinVar aggregate classification (germline): Uncertain significance (1 of 4 stars; one submission).

Conditions:
Cardiovascular phenotype. Identifiers: MedGen CN230736.

gnomAD v4.1: 2 of 1,613,786 alleles (0.00012%); highest among the groups gnomAD compares: Admixed American, 0.0033%; no homozygotes.

Submission:

Ambry Genetics
Classification: Uncertain significance for Cardiovascular phenotype. Last evaluated: 2025-07-18. Review status: criteria provided, single submitter. Criteria: Ambry Variant Classification Scheme 2023. Collection method: clinical testing. Allele origin: germline.
Comment: The p.N143K variant (also known as c.429T>G), located in coding exon 5 of the SPRED1 gene, results from a T to G substitution at nucleotide position 429. The asparagine at codon 143 is replaced by lysine, an amino acid with similar properties. This amino acid position is conserved. In addition, this alteration is predicted to be tolerated by in silico analysis. Based on the available evidence, the clinical significance of this variant remains unclear.